The following is an entry in ClinVar:

NM_017947.4(MOCOS):c.309G>A (p.Ala103=)

Gene: MOCOS (molybdenum cofactor sulfurase; plus strand). Cytogenetic location: 18q12.2.
Variant type: single nucleotide variant.
Coding change: c.309G>A on transcript NM_017947.4 (MANE Select); coding-DNA position 309, G replaced by A.
Protein change: p.Ala103=; no amino-acid change (alanine 103 retained).
Molecular consequence: synonymous variant.
Genome position (GRCh38, 1-based): chr18:36,199,692, G>A. VCF-style: chr18-36199692-G-A. GRCh37 (hg19) VCF-style: chr18-33779655-G-A.
Identifiers: ClinVar variation 536216 (VCV000536216.13), dbSNP rs149639104, ClinGen allele CA8940402.
Genomic context (GRCh38, chr18:36,199,692, plus strand): 5'-CAGTGCTGGGGCTGAGATCCGCGGGTTGCGGGGATGCTGTGCTTCTTCCAGAATCCTGGC[G>A]CACTTCCACACCACCGCAGAAGACTACACTGTGATCTTCACTGCCGGGAGCACGGCTGCT-3'
Protein context (NP_060417.4, residues 93-113): TVEQVRYRIL[Ala103=]HFHTTAEDYT

ClinVar aggregate classification (germline): Benign. Review status: criteria provided, multiple submitters, no conflicts (2 of 4 stars). 3 submissions from 3 submitters: Benign (3). Last evaluated 2026-01-23.

Conditions:
MOCOS-related disorder. Also called: MOCOS-related condition.
Xanthinuria type II. Also called: Xanthine dehydrogenase and aldehyde oxidase combined deficiency of; XDH and AOX dual deficiency. Identifiers: Orphanet 3467, Orphanet 93602, MedGen C1863688, MONDO:0011346, OMIM 603592.

Allele frequency attached by ClinVar (database versions not stated): ESP Exome Variant Server 0.00338; TOPMed 0.00368; 1000 Genomes Project 30x 0.00375; 1000 Genomes Project 0.00379; gnomAD 0.00391 and 0.00427; gnomAD exomes 0.00613; ExAC 0.00665.
gnomAD v4.1: 9,426 of 1,613,594 alleles (0.58%); highest among the groups gnomAD compares: South Asian, 1.9%; 61 homozygotes.

Submissions (3):

Labcorp Genetics (formerly Invitae), Labcorp
Classification: Benign for Xanthinuria type II. Last evaluated: 2026-01-23. Review status: criteria provided, single submitter. Criteria: Invitae Variant Classification Sherloc (09022015). Collection method: clinical testing. Allele origin: germline.

PreventionGenetics, part of Exact Sciences
Classification: Benign for MOCOS-related condition. Last evaluated: 2024-11-06. Review status: criteria provided, single submitter. Criteria: ACMG Guidelines, 2015. Collection method: clinical testing. Allele origin: germline.
Comment: This variant is classified as benign based on ACMG/AMP sequence variant interpretation guidelines (Richards et al. 2015 PMID: 25741868, with internal and published modifications).

Breakthrough Genomics
Classification: Benign. Review status: criteria provided, single submitter. Criteria: ACMG Guidelines, 2015. Collection method: not provided. Allele origin: germline. Inheritance: Autosomal recessive inheritance. Affected: yes.